The following is an entry in ClinVar:

ClinVar aggregate classification (germline): Uncertain significance (1 of 4 stars; one submission).

Conditions:
Pigmentary pallidal degeneration (NBIA1). Also called: Pantothenate Kinase-Associated Neurodegeneration; Neuroaxonal dystrophy, late infantile; Hallervorden-Spatz disease; PKAN NEUROAXONAL DYSTROPHY, JUVENILE-ONSET; Neurodegeneration with brain iron accumulation 1; HARP SYNDROME. Identifiers: Orphanet 157850, MedGen C0018523, MONDO:0009319, OMIM 234200.

Submission:

3billion
Classification: Uncertain significance for Pigmentary pallidal degeneration. Last evaluated: 2026-01-20. Review status: criteria provided, single submitter. Criteria: ACMG Guidelines, 2015. Collection method: clinical testing. Allele origin: germline. Affected: yes.
Comment: The variant is not observed in the gnomAD v4.1.0 dataset. Predicted Consequence/Location: Synonymous variant In silico tools predict the variant to alter splicing and produce an abnormal transcript [SpliceAI: 0.53 (>=0.2, moderate evidence for spliceogenicity)]. Therefore, this variant is classified as VUS according to the recommendation of ACMG/AMP guideline.

NM_001386393.1(PANK2):c.1332G>A (p.Glu444=)

Gene: PANK2 (pantothenate kinase 2; plus strand). Cytogenetic location: 20p13.
Variant type: single nucleotide variant.
Coding change: c.1332G>A on transcript NM_001386393.1 (MANE Select); coding-DNA position 1332, G replaced by A.
Protein change: p.Glu444=; no amino-acid change (glutamic acid 444 retained).
Molecular consequence: synonymous variant. On other transcripts: non-coding transcript variant (1).
Genome position (GRCh38, 1-based): chr20:3,918,796, G>A. VCF-style: chr20-3918796-G-A. GRCh37 (hg19) VCF-style: chr20-3899443-G-A.
Other names: c.789G>A, p.Glu263= (NM_001324191.2, NM_024960.6, NM_153640.4); c.354G>A, p.Glu118= (NM_001324193.2); c.1662G>A, p.Glu554= (NM_153638.4).
Identifiers: ClinVar variation 4855926 (VCV004855926.1).